The following is an entry in ClinVar:

NM_024301.5(FKRP):c.516C>A (p.Asn172Lys)

Gene: FKRP (fukutin related protein; plus strand). Cytogenetic location: 19q13.32.
Variant type: single nucleotide variant.
Coding change: c.516C>A on transcript NM_024301.5 (MANE Select); coding-DNA position 516, C replaced by A.
Protein change: p.Asn172Lys; replaces asparagine 172 with lysine.
Molecular consequence: missense variant.
Genome position (GRCh38, 1-based): chr19:46,755,966, C>A. VCF-style: chr19-46755966-C-A. GRCh37 (hg19) VCF-style: chr19-47259223-C-A.
Other names: c.516C>A, p.Asn172Lys (NM_001039885.3); short protein forms N172K.
Identifiers: ClinVar variation 1922901 (VCV001922901.3), dbSNP rs970724879, ClinGen allele CA406495479.

ClinVar aggregate classification (germline): Uncertain significance. Review status: criteria provided, multiple submitters, no conflicts (2 of 4 stars). 2 submissions from 2 submitters: Uncertain significance (2). Last evaluated 2022-06-22.

Conditions:
Walker-Warburg congenital muscular dystrophy. Also called: Muscular dystrophy-dystroglycanopathy, type A; Walker-Warburg syndrome. Identifiers: Orphanet 899, MedGen C0265221, MONDO:0000171.

Allele frequency attached by ClinVar (database versions not stated): gnomAD 0.00001.
gnomAD v4.1: 6 of 1,538,782 alleles (0.00039%); highest among the groups gnomAD compares: African/African-American, 0.0014%; no homozygotes.

Submissions (2):

Labcorp Genetics (formerly Invitae), Labcorp
Classification: Uncertain significance for Walker-Warburg congenital muscular dystrophy. Last evaluated: 2022-06-22. Review status: criteria provided, single submitter. Criteria: Invitae Variant Classification Sherloc (09022015). Collection method: clinical testing. Allele origin: germline.
Comment: This sequence change replaces asparagine, which is neutral and polar, with lysine, which is basic and polar, at codon 172 of the FKRP protein (p.Asn172Lys). The frequency data for this variant in the population databases is considered unreliable, as metrics indicate poor data quality at this position in the gnomAD database. This variant has not been reported in the literature in individuals affected with FKRP-related conditions. Algorithms developed to predict the effect of missense changes on protein structure and function (SIFT, PolyPhen-2, Align-GVGD) all suggest that this variant is likely to be tolerated. Algorithms developed to predict the effect of sequence changes on RNA splicing suggest that this variant may create or strengthen a splice site. In summary, the available evidence is currently insufficient to determine the role of this variant in disease. Therefore, it has been classified as a Variant of Uncertain Significance.

Blueprint Genetics
Classification: Uncertain significance. Last evaluated: 2018-05-03. Review status: criteria provided, single submitter. Criteria: ACMG Guidelines, 2015. Collection method: clinical testing. Allele origin: germline.